The following is an entry in ClinVar:

NM_018341.3(ERMARD):c.6+7C>T

Gene: ERMARD (ER membrane associated RNA degradation; plus strand). Cytogenetic location: 6q27.
Variant type: single nucleotide variant.
Coding change: c.6+7C>T on transcript NM_018341.3 (MANE Select); 7 bases into the intron after coding-DNA position 6, C replaced by T.
Molecular consequence: intron variant.
Genome position (GRCh38, 1-based): chr6:169,751,670, C>T. VCF-style: chr6-169751670-C-T. GRCh37 (hg19) VCF-style: chr6-170151766-C-T.
Other names: c.6+7C>T (NM_001278531.2, NM_001278533.2); c.-204+7C>T (NM_001278532.2).
Identifiers: ClinVar variation 380783 (VCV000380783.9), dbSNP rs3749882, ClinGen allele CA4105686.
Genomic context (GRCh38, chr6:169,751,670, plus strand): 5'-GCAGGCGCCTGCGTCATTCACGCGCGCCGCAGCGGGGCACCGGAAGTTATGGAGGTAGGG[C>T]GGGTGTAGGGCCCGGTTCGATCCCGAGCTAGGCAGGGAGTCGGCGCCAGGCTGGGTGGTG-3'

ClinVar aggregate classification (germline): Benign. Review status: criteria provided, multiple submitters, no conflicts (2 of 4 stars). 2 submissions from 2 submitters: Benign (2). Last evaluated 2026-02-03.

Allele frequency attached by ClinVar (database versions not stated): TOPMed 0.18644; ExAC 0.22339; 1000 Genomes Project 0.23762; 1000 Genomes Project 30x 0.23954; ESP Exome Variant Server 0.16007; gnomAD exomes 0.16922; gnomAD 0.17754.
gnomAD v4.1: 210,565 of 1,554,918 alleles (14%); highest among the groups gnomAD compares: East Asian, 29%; 16,782 homozygotes.

Submissions (2):

Labcorp Genetics (formerly Invitae), Labcorp
Classification: Benign. Last evaluated: 2026-02-03. Review status: criteria provided, single submitter. Criteria: Invitae Variant Classification Sherloc (09022015). Collection method: clinical testing. Allele origin: germline.

GeneDx
Classification: Benign. Last evaluated: 2016-01-20. Review status: criteria provided, single submitter. Criteria: GeneDx Variant Classification (06012015). Collection method: clinical testing. Allele origin: germline. Affected: yes.
Comment: This variant is considered likely benign or benign based on one or more of the following criteria: it is a conservative change, it occurs at a poorly conserved position in the protein, it is predicted to be benign by multiple in silico algorithms, and/or has population frequency not consistent with disease.